The following is an entry in ClinVar:

ClinVar aggregate classification (germline): Uncertain significance. Review status: criteria provided, multiple submitters, no conflicts (2 of 4 stars). 7 submissions from 7 submitters: Uncertain significance (6). 1 of the submissions does not count toward it. Last evaluated 2026-08-01.

Conditions:
CDH23-related disorder. Also called: CDH23-related disorders; CDH23-related condition.
Pituitary adenoma 5, multiple types. Identifiers: MedGen C4539685, MONDO:0054601, OMIM 617540.
Usher syndrome type 1D (USH1D). Also called: USHER SYNDROME, TYPE ID. Identifiers: Orphanet 231169, Orphanet 886, MedGen C1832845, MONDO:0010984, OMIM 601067.
Autosomal recessive nonsyndromic hearing loss 12. Also called: DEAFNESS, AUTOSOMAL RECESSIVE 12. Identifiers: Orphanet 90636, MedGen C1832394, MONDO:0011067, OMIM 601386.
Usher syndrome type 1 (USH1). Also called: RETINITIS PIGMENTOSA AND CONGENITAL DEAFNESS. Identifiers: Orphanet 231169, Orphanet 886, MedGen C1568247, MONDO:0010168, OMIM 276900.

Allele frequency attached by ClinVar (database versions not stated): gnomAD exomes 0.00007 and 0.00008; 1000 Genomes Project 30x 0.00016; ExAC 0.00016; 1000 Genomes Project 0.00020; gnomAD 0.00025 and 0.00026; TOPMed 0.00026.
gnomAD v4.1: 134 of 1,606,768 alleles (0.0083%); highest among the groups gnomAD compares: African/African-American, 0.072%; no homozygotes.

Submissions (7):

PreventionGenetics, part of Exact Sciences
Classification: Uncertain significance for CDH23-related condition. Last evaluated: 2026-08-01. Review status: criteria provided, single submitter. Criteria: ACMG Guidelines, 2015. Collection method: clinical testing. Allele origin: germline.
Comment: The CDH23 c.4621G>A variant is predicted to result in the amino acid substitution p.Val1541Met. To our knowledge, this variant has not been reported in the literature. This variant is present in 0.075% of alleles in individuals of African descent in gnomAD. At this time, the clinical significance of this variant is uncertain due to the absence of conclusive functional and genetic evidence.

Blueprint Genetics
Classification: Uncertain significance. Last evaluated: 2023-04-29. Review status: criteria provided, single submitter. Criteria: ACMG Guidelines, 2015. Collection method: clinical testing. Allele origin: germline.

Labcorp Genetics (formerly Invitae), Labcorp
Classification: Uncertain significance. Last evaluated: 2022-08-16. Review status: criteria provided, single submitter. Criteria: Invitae Variant Classification Sherloc (09022015). Collection method: clinical testing. Allele origin: germline.
Comment: This sequence change replaces valine, which is neutral and non-polar, with methionine, which is neutral and non-polar, at codon 1541 of the CDH23 protein (p.Val1541Met). This variant is present in population databases (rs565657378, gnomAD 0.08%). This variant has not been reported in the literature in individuals affected with CDH23-related conditions. ClinVar contains an entry for this variant (Variation ID: 970776). Algorithms developed to predict the effect of missense changes on protein structure and function are either unavailable or do not agree on the potential impact of this missense change (SIFT: "Deleterious"; PolyPhen-2: "Not Available"; Align-GVGD: "Class C15"). In summary, the available evidence is currently insufficient to determine the role of this variant in disease. Therefore, it has been classified as a Variant of Uncertain Significance.

Laboratory for Molecular Medicine, Mass General Brigham Personalized Medicine
Classification: Uncertain significance. Last evaluated: 2022-02-23. Review status: criteria provided, single submitter. Criteria: ACMG Guidelines, 2015. Collection method: clinical testing. Allele origin: germline.
Comment: The p.Val1541Met variant in CDH23 has not been previously reported in individuals with hearing loss but has been identified in 0.075% (17/22556) of African chromosomes by gnomAD. This variant has also been reported in ClinVar (Variation ID 970776). Computational prediction tools and conservation analyses suggest that this variant may impact the protein, though this information is not predictive enough to determine pathogenicity. In summary, the clinical significance of this variant is uncertain. ACMG/AMP Criteria applied: BS1_Supporting, PP3.

Fulgent Genetics
Classification: Uncertain significance for Usher syndrome type 1D; Autosomal recessive nonsyndromic hearing loss 12; Pituitary adenoma 5, multiple types. Last evaluated: 2021-07-26. Review status: criteria provided, single submitter. Criteria: ACMG Guidelines, 2015. Collection method: clinical testing. Allele origin: unknown.

Breakthrough Genomics
Classification: Uncertain significance. Review status: criteria provided, single submitter. Criteria: ACMG Guidelines, 2015. Collection method: not provided. Allele origin: germline. Inheritance: Autosomal recessive inheritance. Affected: yes.

Natera, Inc.
Classification: Uncertain significance for Usher syndrome type 1. Last evaluated: 2020-01-31. Review status: no assertion criteria provided. Collection method: clinical testing. Allele origin: germline. Not counted in ClinVar's aggregate classification.

NM_022124.6(CDH23):c.4621G>A (p.Val1541Met)

Gene: CDH23 (cadherin related 23; plus strand). Cytogenetic location: 10q22.1.
Variant type: single nucleotide variant.
Coding change: c.4621G>A on transcript NM_022124.6 (MANE Select); coding-DNA position 4621, G replaced by A.
Protein change: p.Val1541Met; replaces valine 1541 with methionine.
Molecular consequence: missense variant.
Genome position (GRCh38, 1-based): chr10:71,741,697, G>A. VCF-style: chr10-71741697-G-A. GRCh37 (hg19) VCF-style: chr10-73501454-G-A.
Other names: short protein forms V1541M.
Identifiers: ClinVar variation 970776 (VCV000970776.10), dbSNP rs565657378, ClinGen allele CA5545114.
Genomic context (GRCh38, chr10:71,741,697, plus strand): 5'-CAGACTGTGCCCCAATGCCTTGAGTCCAGAATGACTGCTCTCCTGCTCTCCTCCCAGAAC[G>A]TGGGTGGAGGTACTGCTGTGGTCCAGGTGAGAGCCACTGACCGTGACATCGGGATCAACA-3'
Protein context (NP_071407.4, residues 1531-1551): FGYNVSVNEN[Val1541Met]GGGTAVVQVR